The following is an entry in ClinVar:

ClinVar aggregate classification (germline): Uncertain significance (1 of 4 stars; one submission).

Conditions:
Hereditary cancer-predisposing syndrome. Also called: Neoplastic Syndromes, Hereditary; Tumor predisposition; Hereditary neoplastic syndrome; Hereditary Cancer Syndrome. Identifiers: Orphanet 140162, MedGen C0027672, MeSH D009386, MONDO:0015356.

Submission:

Ambry Genetics
Classification: Uncertain significance for Hereditary cancer-predisposing syndrome. Last evaluated: 2023-03-02. Review status: criteria provided, single submitter. Criteria: Ambry Variant Classification Scheme 2023. Collection method: clinical testing. Allele origin: germline.
Comment: The c.911-3C>T intronic variant results from a C to T substitution 3 nucleotides before coding exon 8 in the SUFU gene. This nucleotide position is highly conserved in available vertebrate species. In silico splice site analysis for this alteration is inconclusive. Since supporting evidence is limited at this time, the clinical significance of this alteration remains unclear.

NM_016169.4(SUFU):c.911-3C>T

Gene: SUFU (SUFU negative regulator of hedgehog signaling; plus strand). Cytogenetic location: 10q24.32.
Variant type: single nucleotide variant.
Coding change: c.911-3C>T on transcript NM_016169.4 (MANE Select); 3 bases into the intron before coding-DNA position 911, C replaced by T.
Molecular consequence: intron variant.
Genome position (GRCh38, 1-based): chr10:102,599,430, C>T. VCF-style: chr10-102599430-C-T. GRCh37 (hg19) VCF-style: chr10-104359187-C-T.
Other names: c.911-3C>T (NM_001178133.2).
Identifiers: ClinVar variation 2452617 (VCV002452617.2), dbSNP rs2545100253, ClinGen allele CA2580081202.